The following is an entry in ClinVar:

ClinVar aggregate classification (germline): Likely benign (1 of 4 stars; one submission).

Conditions:
UNC79-related disorder. Also called: UNC79-related condition.

gnomAD v4.1: 418 of 1,613,964 alleles (0.026%); highest among the groups gnomAD compares: Non-Finnish European, 0.033%; 1 homozygote.

Submission:

PreventionGenetics, part of Exact Sciences
Classification: Likely benign for UNC79-related condition. Last evaluated: 2026-07-07. Review status: criteria provided, single submitter. Criteria: ACMG Guidelines, 2015. Collection method: clinical testing. Allele origin: germline.
Comment: This variant is classified as likely benign based on ACMG/AMP sequence variant interpretation guidelines (Richards et al. 2015 PMID: 25741868, with internal and published modifications).

NM_001395159.1(UNC79):c.5317T>C (p.Ser1773Pro)

Gene: UNC79 (unc-79 subunit of NALCN channel complex; plus strand). Cytogenetic location: 14q32.12.
Variant type: single nucleotide variant.
Coding change: c.5317T>C on transcript NM_001395159.1 (MANE Select); coding-DNA position 5317, T replaced by C.
Protein change: p.Ser1773Pro; replaces serine 1773 with proline.
Molecular consequence: missense variant.
Genome position (GRCh38, 1-based): chr14:93,622,334, T>C. VCF-style: chr14-93622334-T-C. GRCh37 (hg19) VCF-style: chr14-94088680-T-C.
Other names: c.5251T>C, p.Ser1751Pro (NM_001346218.2); c.4570T>C, p.Ser1524Pro (NM_020818.5); short protein forms S1751P, S1773P, S1524P.
Identifiers: ClinVar variation 4981504 (VCV004981504.1).